The following is an entry in ClinVar:

ClinVar aggregate classification (germline): Uncertain significance (1 of 4 stars; one submission).

Allele frequency attached by ClinVar (database versions not stated): gnomAD exomes below 0.00001 and 0.00001; gnomAD 0.00001; TOPMed 0.00001.
gnomAD v4.1: 3 of 1,613,952 alleles (0.00019%); highest among the groups gnomAD compares: Admixed American, 0.005%; no homozygotes.

Submission:

Labcorp Genetics (formerly Invitae), Labcorp
Classification: Uncertain significance. Last evaluated: 2022-06-13. Review status: criteria provided, single submitter. Criteria: Invitae Variant Classification Sherloc (09022015). Collection method: clinical testing. Allele origin: germline.
Comment: This sequence change replaces alanine, which is neutral and non-polar, with threonine, which is neutral and polar, at codon 725 of the PITPNM3 protein (p.Ala725Thr). This variant is present in population databases (no rsID available, gnomAD 0.006%). This variant has not been reported in the literature in individuals affected with PITPNM3-related conditions. ClinVar contains an entry for this variant (Variation ID: 963806). Algorithms developed to predict the effect of missense changes on protein structure and function are either unavailable or do not agree on the potential impact of this missense change (SIFT: "Deleterious"; PolyPhen-2: "Probably Damaging"; Align-GVGD: "Class C0"). In summary, the available evidence is currently insufficient to determine the role of this variant in disease. Therefore, it has been classified as a Variant of Uncertain Significance.

NM_031220.4(PITPNM3):c.2173G>A (p.Ala725Thr)

Gene: PITPNM3 (PITPNM family member 3; minus strand). Cytogenetic location: 17p13.2.
Variant type: single nucleotide variant.
Coding change: c.2173G>A on transcript NM_031220.4 (MANE Select); coding-DNA position 2173, G replaced by A.
Protein change: p.Ala725Thr; replaces alanine 725 with threonine.
Molecular consequence: missense variant.
Genome position (GRCh38, 1-based): chr17:6,463,865, C>T on the plus strand (G>A on the coding strand, the complement: PITPNM3 is on the minus strand). VCF-style: chr17-6463865-C-T. GRCh37 (hg19) VCF-style: chr17-6367185-C-T.
Other names: c.2065G>A, p.Ala689Thr (NM_001165966.2); short protein forms A725T, A689T.
Identifiers: ClinVar variation 963806 (VCV000963806.9), dbSNP rs1413634785, ClinGen allele CA397402596.